The following is an entry in ClinVar:

ClinVar aggregate classification (germline): Pathogenic/Likely pathogenic. Review status: criteria provided, multiple submitters, no conflicts (2 of 4 stars). 2 submissions from 2 submitters: Pathogenic (1); Likely pathogenic (1). Last evaluated 2022-07-20.

Conditions:
Glycogen storage disease type III (GSD3). Also called: FORBES DISEASE; Cori disease. Identifiers: Orphanet 366, MedGen C0017922, MONDO:0009291, OMIM 232400.

Allele frequency attached by ClinVar (database versions not stated): TOPMed below 0.00001.

Submissions (2):

Baylor Genetics
Classification: Likely pathogenic for Glycogen storage disease type III. Last evaluated: 2022-07-20. Review status: criteria provided, single submitter. Criteria: ACMG Guidelines, 2015. Collection method: clinical testing. Allele origin: unknown.

Centre for Human Genetics
Classification: Pathogenic for Glycogen storage disease type III. Last evaluated: 2016-11-08. Review status: criteria provided, single submitter. Criteria: ACMG Guidelines, 2015. Collection method: clinical testing. Allele origin: inherited. Inheritance: Autosomal recessive inheritance. Affected: yes. Observed: 1 variant allele.
Comment: disease causing

NM_000642.3(AGL):c.947_948del (p.Leu316fs)

Gene: AGL (amylo-alpha-1,6-glucosidase and 4-alpha-glucanotransferase; plus strand). Cytogenetic location: 1p21.2.
Variant type: Deletion.
Coding change: c.947_948del on transcript NM_000642.3 (MANE Select); coding-DNA positions 947 to 948, 2 bases deleted (TT; older notation c.947_948delTT).
Protein change: p.Leu316fs; shifts the reading frame from leucine 316.
Molecular consequence: frameshift variant.
Genome position (GRCh38, 1-based): chr1:99,870,858-99,870,859, TT deleted. VCF-style (leftmost placement, unchanged base first): chr1-99870857-CTT-C. GRCh37 (hg19) VCF-style: chr1-100336413-CTT-C.
Other names: c.947_948delTT (NM_000642.3); c.947_948del (NM_000642.2); c.947_948delTT, p.Leu316Profs (NM_000028.3, NM_000643.3, NM_000644.3 and 3 more transcripts); c.899_900delTT, p.Leu300Profs (NM_000646.3); c.743_744delTT, p.Leu248Profs (NM_001425328.1, NM_001425329.1); c.569_570delTT, p.Leu190Profs (NM_001425332.1); short protein forms L300fs, L316fs.
Identifiers: ClinVar variation 998102 (VCV000998102.2), dbSNP rs1650934988, ClinGen allele CA1183923523.
Genomic context (GRCh38, chr1:99,870,857, plus strand): 5'-CTTAAACTCTGGGAATTTTTCCAAGTAGATGTCAACAAAGCGGTTGAGCAATTTAGAAGA[CTT>C]CTTACACAAGGTAAAGGATACATACTAGAATGTTCCTATCGATTTTAAGAAATGTAATAT-3'